The following is an entry in ClinVar:

NM_006118.4(HAX1):c.583G>A (p.Gly195Ser)

Gene: HAX1 (HCLS1 associated protein X-1; plus strand). Cytogenetic location: 1q21.3.
Variant type: single nucleotide variant.
Coding change: c.583G>A on transcript NM_006118.4 (MANE Select); coding-DNA position 583, G replaced by A.
Protein change: p.Gly195Ser; replaces glycine 195 with serine.
Molecular consequence: missense variant.
Genome position (GRCh38, 1-based): chr1:154,275,180, G>A. VCF-style: chr1-154275180-G-A. GRCh37 (hg19) VCF-style: chr1-154247656-G-A.
Other names: c.439G>A, p.Gly147Ser (NM_001018837.2); short protein forms G147S, G195S.
Identifiers: ClinVar variation 2428180 (VCV002428180.4), dbSNP rs1553289871, ClinGen allele CA342593643.

ClinVar aggregate classification (germline): Uncertain significance. Review status: criteria provided, multiple submitters, no conflicts (2 of 4 stars). 2 submissions from 2 submitters: Uncertain significance (2). Last evaluated 2025-02-11.

Conditions:
Inborn genetic diseases. Identifiers: MedGen C0950123, MeSH D030342.
Kostmann syndrome (SCN3). Also called: KOSTMANN DISEASE; Autosomal recessive severe congenital neutropenia type 3. Identifiers: Orphanet 99749, MedGen C5235141, MONDO:0012548, OMIM 610738.

Submissions (2):

Ambry Genetics
Classification: Uncertain significance for Inborn genetic diseases. Last evaluated: 2025-02-11. Review status: criteria provided, single submitter. Criteria: Ambry Variant Classification Scheme 2023. Collection method: clinical testing. Allele origin: germline.
Comment: The p.G195S variant (also known as c.583G>A), located in coding exon 5 of the HAX1 gene, results from a G to A substitution at nucleotide position 583. The glycine at codon 195 is replaced by serine, an amino acid with similar properties. This amino acid position is conserved. In addition, the in silico prediction for this alteration is inconclusive. Based on the available evidence, the clinical significance of this variant remains unclear.

Labcorp Genetics (formerly Invitae), Labcorp
Classification: Uncertain significance for Kostmann syndrome. Last evaluated: 2022-05-28. Review status: criteria provided, single submitter. Criteria: Invitae Variant Classification Sherloc (09022015). Collection method: clinical testing. Allele origin: germline.
Comment: This sequence change replaces glycine, which is neutral and non-polar, with serine, which is neutral and polar, at codon 195 of the HAX1 protein (p.Gly195Ser). This variant is not present in population databases (gnomAD no frequency). This variant has not been reported in the literature in individuals affected with HAX1-related conditions. Algorithms developed to predict the effect of missense changes on protein structure and function are either unavailable or do not agree on the potential impact of this missense change (SIFT: "Deleterious"; PolyPhen-2: "Probably Damaging"; Align-GVGD: "Class C0"). In summary, the available evidence is currently insufficient to determine the role of this variant in disease. Therefore, it has been classified as a Variant of Uncertain Significance.